The following is an entry in ClinVar:

NM_012203.2(GRHPR):c.866-25CT[10]

Gene: GRHPR (glyoxylate and hydroxypyruvate reductase; plus strand). Cytogenetic location: 9p13.2.
Variant type: Microsatellite.
Coding change: c.866-25CT[10] on transcript NM_012203.2 (MANE Select); ten copies in a row of the 2-base unit CT starting at c.866-25.
Molecular consequence: intron variant.
Genome position: GRCh38 VCF-style: chr9-37436635-C-CCTCT. GRCh37 (hg19) VCF-style: chr9-37436632-C-CCTCT.
Identifiers: ClinVar variation 4979807 (VCV004979807.1).

ClinVar aggregate classification (germline): Likely benign (1 of 4 stars; one submission).

Conditions:
GRHPR-related disorder. Also called: GRHPR-related condition.

Submission:

PreventionGenetics, part of Exact Sciences
Classification: Likely benign for GRHPR-related condition. Last evaluated: 2026-08-12. Review status: criteria provided, single submitter. Criteria: ACMG Guidelines, 2015. Collection method: clinical testing. Allele origin: germline.
Comment: This variant is classified as likely benign based on ACMG/AMP sequence variant interpretation guidelines (Richards et al. 2015 PMID: 25741868, with internal and published modifications).